The following is an entry in ClinVar:

ClinVar aggregate classification (germline): Likely benign (1 of 4 stars; one submission).

gnomAD v4.1: 1,905 of 1,613,214 alleles (0.12%); highest among the groups gnomAD compares: Non-Finnish European, 0.15%; 2 homozygotes.

Submission:

CeGaT Center for Human Genetics Tuebingen
Classification: Likely benign. Last evaluated: 2026-01-01. Review status: criteria provided, single submitter. Criteria: CeGaT Center For Human Genetics Tuebingen Variant Classification Criteria Version 2. Collection method: clinical testing. Allele origin: germline. Affected: yes. Observed: 1 variant allele.
Comment: RFX7: BP4, BP7

NM_022841.7(RFX7):c.1689G>A (p.Gln563=)

Gene: RFX7 (regulatory factor X7; minus strand). Cytogenetic location: 15q21.3.
Variant type: single nucleotide variant.
Coding change: c.1689G>A on transcript NM_022841.7 (MANE Select); coding-DNA position 1689, G replaced by A.
Protein change: p.Gln563=; no amino-acid change (glutamine 563 retained).
Molecular consequence: synonymous variant.
Genome position (GRCh38, 1-based): chr15:56,096,039, C>T on the plus strand (G>A on the coding strand, the complement: RFX7 is on the minus strand). VCF-style: chr15-56096039-C-T. GRCh37 (hg19) VCF-style: chr15-56388237-C-T.
Other names: c.1398G>A, p.Gln466= (NM_001368073.2, NM_001368074.1, NM_001370554.1); c.1689G>A, p.Gln563= (NM_001370561.1).
Identifiers: ClinVar variation 4820696 (VCV004820696.4).